The following is an entry in ClinVar:

NM_001005242.3(PKP2):c.1542_1549del (p.Thr515fs)

Gene: PKP2 (plakophilin 2; minus strand). Cytogenetic location: 12p11.21.
Variant type: Deletion.
Coding change: c.1542_1549del on transcript NM_001005242.3 (MANE Select); coding-DNA positions 1542 to 1549, 8 bases deleted (CACTGGAT; older notation c.1542_1549delCACTGGAT).
Protein change: p.Thr515fs; shifts the reading frame from threonine 515.
Molecular consequence: frameshift variant.
Genome position (GRCh38, 1-based): chr12:32,841,035-32,841,042, ATCCAGTG deleted on the plus strand (CACTGGAT on the coding strand, the reverse complement: PKP2 is on the minus strand); deleting any 8 consecutive bases within chr12:32,841,035-32,841,043 gives the same sequence; the c. name uses the placement nearest the transcript's 3' end. VCF-style (leftmost placement, unchanged base first): chr12-32841034-CATCCAGTG-C. GRCh37 (hg19) VCF-style: chr12-32993968-CATCCAGTG-C.
Other names: c.1674_1681delCACTGGAT (NM_004572.3); c.1674_1681del, p.Thr559fs (NM_004572.4); short protein forms T515fs, T559fs.
Identifiers: ClinVar variation 422887 (VCV000422887.7), dbSNP rs1064796069, ClinGen allele CA16619518.

ClinVar aggregate classification (germline): Pathogenic/Likely pathogenic. Review status: criteria provided, multiple submitters, no conflicts (2 of 4 stars). 2 submissions from 2 submitters: Pathogenic (1); Likely pathogenic (1). Last evaluated 2025-08-24.

Conditions:
Arrhythmogenic right ventricular dysplasia 9 (ARVD9). Also called: Arrhythmogenic Right Ventricular Dysplasia/Cardiomyopathy 9; ARRHYTHMOGENIC RIGHT VENTRICULAR DYSPLASIA, FAMILIAL, 9. Identifiers: MedGen C1836906, MONDO:0012180, OMIM 609040.

Submissions (2):

Labcorp Genetics (formerly Invitae), Labcorp
Classification: Pathogenic for Arrhythmogenic right ventricular dysplasia 9. Last evaluated: 2025-08-24. Review status: criteria provided, single submitter. Criteria: Invitae Variant Classification Sherloc (09022015). Collection method: clinical testing. Allele origin: germline.
Comment: This sequence change creates a premature translational stop signal (p.Thr559Profs*10) in the PKP2 gene. It is expected to result in an absent or disrupted protein product. Loss-of-function variants in PKP2 are known to be pathogenic (PMID: 15489853, 17041889, 23911551). This variant is not present in population databases (gnomAD no frequency). This variant has not been reported in the literature in individuals affected with PKP2-related conditions. ClinVar contains an entry for this variant (Variation ID: 422887). For these reasons, this variant has been classified as Pathogenic.

GeneDx
Classification: Likely pathogenic. Last evaluated: 2016-12-28. Review status: criteria provided, single submitter. Criteria: GeneDx Variant Classification (06012015). Collection method: clinical testing. Allele origin: germline. Affected: yes.
Comment: Although the c.1674_1681delCACTGGAT likely pathogenic variant in the PKP2 gene has not been reported to our knowledge, this variant causes a shift in reading frame starting at codon Threonine 559, changing it to a Proline, and creating a premature stop codon at position 10 of the new reading frame, denoted p.T559PfsX10. This likely pathogenic variant is expected to result in either an abnormal, truncated protein product or loss of protein from this allele through nonsense-mediated mRNA decay. Many other frameshift variants in the PKP2 gene have been reported in HGMD in association with ARVC (Stenson et al., 2014). Furthermore, the c.1674_1681delCACTGGAT variant was not observed in either the Exome Aggregation Consortium or approximately 6,500 individuals of European and African American ancestry in the NHLBI Exome Sequencing Project, indicating it is not a common benign variant in these populations. In summary, c.1674_1681delCACTGGAT in the PKP2 gene is expected to be pathogenic, as loss of function variants in this gene are strongly associated with this phenotype.

Literature cited by the submitters: PubMed 15489853 (cited by Labcorp Genetics (formerly Invitae), Labcorp); PubMed 17041889 (cited by Labcorp Genetics (formerly Invitae), Labcorp); PubMed 23911551 (cited by Labcorp Genetics (formerly Invitae), Labcorp).